The following is an entry in ClinVar:

ClinVar aggregate classification (germline): Uncertain significance (1 of 4 stars; one submission).

gnomAD v4.1: 28 of 1,607,616 alleles (0.0017%); highest among the groups gnomAD compares: South Asian, 0.027%; no homozygotes.

Submission:

Ambry Genetics
Classification: Uncertain significance. Last evaluated: 2025-01-03. Review status: criteria provided, single submitter. Criteria: Ambry Variant Classification Scheme 2023. Collection method: clinical testing. Allele origin: germline.
Comment: The p.E168K variant (also known as c.502G>A), located in coding exon 5 of the RAD51B gene, results from a G to A substitution at nucleotide position 502. The glutamic acid at codon 168 is replaced by lysine, an amino acid with similar properties. This amino acid position is conserved. In addition, this alteration is predicted to be tolerated by in silico analysis. Based on the available evidence, the clinical significance of this variant remains unclear.

NM_133510.4(RAD51B):c.502G>A (p.Glu168Lys)

Gene: RAD51B (RAD51 paralog B; plus strand). Cytogenetic location: 14q24.1.
Variant type: single nucleotide variant.
Coding change: c.502G>A on transcript NM_133510.4 (MANE Select); coding-DNA position 502, G replaced by A.
Protein change: p.Glu168Lys; replaces glutamic acid 168 with lysine.
Molecular consequence: missense variant.
Genome position (GRCh38, 1-based): chr14:67,885,918, G>A. VCF-style: chr14-67885918-G-A. GRCh37 (hg19) VCF-style: chr14-68352635-G-A.
Other names: c.502G>A, p.Glu168Lys (NM_001321809.2, NM_001321810.2, NM_001321812.1 and 6 more transcripts); c.388G>A, p.Glu130Lys (NM_001321815.1); c.145G>A, p.Glu49Lys (NM_001321817.2); short protein forms E49K, E130K, E168K.
Identifiers: ClinVar variation 3786405 (VCV003786405.1).